The following is an entry in ClinVar:

ClinVar aggregate classification (germline): Uncertain significance. Review status: criteria provided, multiple submitters, no conflicts (2 of 4 stars). 2 submissions from 2 submitters: Uncertain significance (2). Last evaluated 2024-12-20.

Conditions:
Pulmonary fibrosis and/or bone marrow failure, Telomere-related, 3. Also called: PULMONARY FIBROSIS AND/OR BONE MARROW FAILURE SYNDROME, TELOMERE-RELATED, 3. Identifiers: Orphanet 2032, MedGen C4225346, MONDO:0014613, OMIM 616373.
Dyskeratosis congenita, autosomal recessive 5 (DKCB5). Identifiers: MedGen C3554656, MONDO:0014076, OMIM 615190.
Inborn genetic diseases. Identifiers: MedGen C0950123, MeSH D030342.

Allele frequency attached by ClinVar (database versions not stated): gnomAD exomes below 0.00001; TOPMed below 0.00001; gnomAD 0.00001.
gnomAD v4.1: 5 of 1,612,284 alleles (0.00031%); highest among the groups gnomAD compares: Non-Finnish European, 0.00034%; no homozygotes.

Submissions (2):

Ambry Genetics
Classification: Uncertain significance for Inborn genetic diseases. Last evaluated: 2024-12-20. Review status: criteria provided, single submitter. Criteria: Ambry Variant Classification Scheme 2023. Collection method: clinical testing. Allele origin: germline.
Comment: The p.C537Y variant (also known as c.1610G>A), located in coding exon 18 of the RTEL1 gene, results from a G to A substitution at nucleotide position 1610. The cysteine at codon 537 is replaced by tyrosine, an amino acid with highly dissimilar properties. This amino acid position is conserved. In addition, this alteration is predicted to be tolerated by in silico analysis. Based on the available evidence, the clinical significance of this variant remains unclear.

Labcorp Genetics (formerly Invitae), Labcorp
Classification: Uncertain significance for Dyskeratosis congenita, autosomal recessive 5; Pulmonary fibrosis and/or bone marrow failure, Telomere-related, 3. Last evaluated: 2024-03-20. Review status: criteria provided, single submitter. Criteria: Invitae Variant Classification Sherloc (09022015). Collection method: clinical testing. Allele origin: germline.
Comment: This sequence change replaces cysteine, which is neutral and slightly polar, with tyrosine, which is neutral and polar, at codon 537 of the RTEL1 protein (p.Cys537Tyr). This variant is present in population databases (no rsID available, gnomAD 0.0009%). This variant has not been reported in the literature in individuals affected with RTEL1-related conditions. ClinVar contains an entry for this variant (Variation ID: 2178541). Algorithms developed to predict the effect of missense changes on protein structure and function output the following: SIFT: "Not Available"; PolyPhen-2: "Benign"; Align-GVGD: "Not Available". The tyrosine amino acid residue is found in multiple mammalian species, which suggests that this missense change does not adversely affect protein function. In summary, the available evidence is currently insufficient to determine the role of this variant in disease. Therefore, it has been classified as a Variant of Uncertain Significance.

NM_001283009.2(RTEL1):c.1610G>A (p.Cys537Tyr)

Genes: RTEL1 (regulator of telomere elongation helicase 1; plus strand), RTEL1-TNFRSF6B (RTEL1-TNFRSF6B readthrough (NMD candidate); plus strand). Cytogenetic location: 20q13.33.
Variant type: single nucleotide variant.
Coding change: c.1610G>A on transcript NM_001283009.2 (MANE Select); coding-DNA position 1610, G replaced by A.
Protein change: p.Cys537Tyr; replaces cysteine 537 with tyrosine.
Molecular consequence: missense variant. On other transcripts: non-coding transcript variant (1).
Genome position (GRCh38, 1-based): chr20:63,688,153, G>A. VCF-style: chr20-63688153-G-A. GRCh37 (hg19) VCF-style: chr20-62319506-G-A.
Other names: c.941G>A, p.Cys314Tyr (NM_001283010.1); c.1610G>A, p.Cys537Tyr (NM_016434.4); c.1682G>A, p.Cys561Tyr (NM_032957.5); short protein forms C561Y, C314Y, C537Y.
Identifiers: ClinVar variation 2178541 (VCV002178541.4), dbSNP rs1307688709, ClinGen allele CA409677012.